The following is an entry in ClinVar:

ClinVar aggregate classification (germline): Uncertain significance (0 of 4 stars; one submission).

Conditions:
CEP290-related disorder. Also called: CEP290-related condition; CEP290-related disorders. Identifiers: MedGen CN239314.

Submission:

PreventionGenetics, part of Exact Sciences
Classification: Uncertain significance for CEP290-related condition. Last evaluated: 2024-06-25. Review status: no assertion criteria provided. Collection method: clinical testing. Allele origin: germline.
Comment: The CEP290 c.709C>G variant is predicted to result in the amino acid substitution p.Gln237Glu. To our knowledge, this variant has not been reported in the literature or in a large population database, indicating this variant is rare. At this time, the clinical significance of this variant is uncertain due to the absence of conclusive functional and genetic evidence.

NM_025114.4(CEP290):c.709C>G (p.Gln237Glu)

Gene: CEP290 (centrosomal protein 290; minus strand). Cytogenetic location: 12q21.32.
Variant type: single nucleotide variant.
Coding change: c.709C>G on transcript NM_025114.4 (MANE Select); coding-DNA position 709, C replaced by G.
Protein change: p.Gln237Glu; replaces glutamine 237 with glutamic acid.
Molecular consequence: missense variant.
Genome position (GRCh38, 1-based): chr12:88,129,837, G>C on the plus strand (C>G on the coding strand, the complement: CEP290 is on the minus strand). VCF-style: chr12-88129837-G-C. GRCh37 (hg19) VCF-style: chr12-88523614-G-C.
Other names: short protein forms Q237E.
Identifiers: ClinVar variation 3344673 (VCV003344673.1).